The following is an entry in ClinVar:

ClinVar aggregate classification (germline): Likely benign (1 of 4 stars; one submission).

Allele frequency attached by ClinVar (database versions not stated): gnomAD exomes 0.00006; 1000 Genomes Project 30x 0.00021; gnomAD 0.00054; TOPMed 0.00059.
gnomAD v4.1: 126 of 1,102,389 alleles (0.011%); highest among the groups gnomAD compares: African/African-American, 0.21%; no homozygotes.

Submission:

CeGaT Center for Human Genetics Tuebingen
Classification: Likely benign. Last evaluated: 2022-04-01. Review status: criteria provided, single submitter. Criteria: CeGaT Center For Human Genetics Tuebingen Variant Classification Criteria Version 2. Collection method: clinical testing. Allele origin: germline. Affected: yes. Observed: 1 variant allele.
Comment: CHST7: BP4, BP7

NM_019886.4(CHST7):c.1263C>T (p.His421=)

Gene: CHST7 (carbohydrate sulfotransferase 7; plus strand). Cytogenetic location: Xp11.3.
Variant type: single nucleotide variant.
Coding change: c.1263C>T on transcript NM_019886.4 (MANE Select); coding-DNA position 1263, C replaced by T.
Protein change: p.His421=; no amino-acid change (histidine 421 retained).
Molecular consequence: synonymous variant.
Genome position (GRCh38, 1-based): chrX:46,575,194, C>T. VCF-style: chrX-46575194-C-T. GRCh37 (hg19) VCF-style: chrX-46434629-C-T.
Identifiers: ClinVar variation 2660386 (VCV002660386.24), dbSNP rs1019139690, ClinGen allele CA329673909.